The following is an entry in ClinVar:

ClinVar aggregate classification (germline): Uncertain significance (1 of 4 stars; one submission).

Allele frequency attached by ClinVar (database versions not stated): gnomAD exomes below 0.00001; ExAC 0.00001.
gnomAD v4.1: 1 of 1,614,188 alleles (0.000062%); highest among the groups gnomAD compares: Admixed American, 0.0017%; no homozygotes.

Submission:

Labcorp Genetics (formerly Invitae), Labcorp
Classification: Uncertain significance. Last evaluated: 2023-10-13. Review status: criteria provided, single submitter. Criteria: Invitae Variant Classification Sherloc (09022015). Collection method: clinical testing. Allele origin: germline.
Comment: This sequence change replaces aspartic acid, which is acidic and polar, with glycine, which is neutral and non-polar, at codon 135 of the CFI protein (p.Asp135Gly). This variant is present in population databases (rs755728299, gnomAD 0.003%). This variant has not been reported in the literature in individuals affected with CFI-related conditions. Advanced modeling of protein sequence and biophysical properties (such as structural, functional, and spatial information, amino acid conservation, physicochemical variation, residue mobility, and thermodynamic stability) performed at Invitae indicates that this missense variant is not expected to disrupt CFI protein function. Algorithms developed to predict the effect of sequence changes on RNA splicing suggest that this variant may disrupt the consensus splice site. In summary, the available evidence is currently insufficient to determine the role of this variant in disease. Therefore, it has been classified as a Variant of Uncertain Significance.

NM_000204.5(CFI):c.404A>G (p.Asp135Gly)

Gene: CFI (complement factor I; minus strand). Cytogenetic location: 4q25.
Variant type: single nucleotide variant.
Coding change: c.404A>G on transcript NM_000204.5 (MANE Select); coding-DNA position 404, A replaced by G.
Protein change: p.Asp135Gly; replaces aspartic acid 135 with glycine.
Molecular consequence: missense variant. On other transcripts: non-coding transcript variant (3), intron variant (1).
Genome position (GRCh38, 1-based): chr4:109,764,615, T>C on the plus strand (A>G on the coding strand, the complement: CFI is on the minus strand). VCF-style: chr4-109764615-T-C. GRCh37 (hg19) VCF-style: chr4-110685771-T-C.
Other names: c.404A>G, p.Asp135Gly (NM_001318057.2, NM_001331035.2, NM_001375278.1 and 5 more transcripts); c.-127-2923A>G (NM_001375284.1); short protein forms D135G.
Identifiers: ClinVar variation 2808893 (VCV002808893.3), dbSNP rs755728299, ClinGen allele CA3042283.